The following is an entry in ClinVar:

NM_001384140.1(PCDH15):c.4307C>T (p.Pro1436Leu)

Gene: PCDH15 (protocadherin related 15; minus strand). Cytogenetic location: 10q21.1.
Variant type: single nucleotide variant.
Coding change: c.4307C>T on transcript NM_001384140.1 (MANE Select); coding-DNA position 4307, C replaced by T.
Protein change: p.Pro1436Leu; replaces proline 1436 with leucine.
Molecular consequence: missense variant.
Genome position (GRCh38, 1-based): chr10:53,827,453, G>A on the plus strand (C>T on the coding strand, the complement: PCDH15 is on the minus strand). VCF-style: chr10-53827453-G-A. GRCh37 (hg19) VCF-style: chr10-55587213-G-A.
Other names: c.4322C>T, p.Pro1441Leu (NM_001142763.2, NM_001142771.2); c.4307C>T, p.Pro1436Leu (NM_001142764.2, NM_001142770.3, NM_001142772.2 and 3 more transcripts); c.4094C>T, p.Pro1365Leu (NM_001142765.2); c.4298C>T, p.Pro1433Leu (NM_001142766.2); c.4187C>T, p.Pro1396Leu (NM_001142767.2); c.4241C>T, p.Pro1414Leu (NM_001142768.2, NM_001354404.2); c.4343C>T, p.Pro1448Leu (NM_001142769.4); c.4232C>T, p.Pro1411Leu (NM_001142773.2); and 1 more; short protein forms P1365L, P1441L, P1414L, P1443L, P1396L, P1411L, P1433L, P1436L.
Identifiers: ClinVar variation 1466946 (VCV001466946.6), dbSNP rs555694787, ClinGen allele CA5505377.

ClinVar aggregate classification (germline): Uncertain significance (1 of 4 stars; one submission).

Allele frequency attached by ClinVar (database versions not stated): TOPMed 0.00001.
gnomAD v4.1: 17 of 1,613,430 alleles (0.0011%); highest among the groups gnomAD compares: East Asian, 0.0022%; no homozygotes.

Submission:

Labcorp Genetics (formerly Invitae), Labcorp
Classification: Uncertain significance. Last evaluated: 2023-10-03. Review status: criteria provided, single submitter. Criteria: Invitae Variant Classification Sherloc (09022015). Collection method: clinical testing. Allele origin: germline.
Comment: This sequence change replaces proline, which is neutral and non-polar, with leucine, which is neutral and non-polar, at codon 1436 of the PCDH15 protein (p.Pro1436Leu). This variant is present in population databases (rs555694787, gnomAD 0.007%). This variant has not been reported in the literature in individuals affected with PCDH15-related conditions. ClinVar contains an entry for this variant (Variation ID: 1466946). An algorithm developed to predict the effect of missense changes on protein structure and function (PolyPhen-2) suggests that this variant is likely to be disruptive. In summary, the available evidence is currently insufficient to determine the role of this variant in disease. Therefore, it has been classified as a Variant of Uncertain Significance.